The following is an entry in ClinVar:

ClinVar aggregate classification (germline): Likely benign. Review status: criteria provided, multiple submitters, no conflicts (2 of 4 stars). 4 submissions from 4 submitters: Likely benign (4). Last evaluated 2025-03-04.

Conditions:
Hereditary cancer-predisposing syndrome. Also called: Tumor predisposition; Neoplastic Syndromes, Hereditary; Hereditary Cancer Syndrome; Hereditary neoplastic syndrome. Identifiers: Orphanet 140162, MedGen C0027672, MeSH D009386, MONDO:0015356.
Breast-ovarian cancer, familial, susceptibility to, 2 (BROVCA2). Also called: BRCA2 Hereditary Breast and Ovarian Cancer. Identifiers: Orphanet 145, MedGen C2675520, MONDO:0012933, OMIM 612555. Disease mechanism: loss of function.

Allele frequency attached by ClinVar (database versions not stated): gnomAD exomes 0.00001 and 0.00002; ExAC 0.00002; TOPMed 0.00002; gnomAD 0.00003; ESP Exome Variant Server 0.00008.
gnomAD v4.1: 18 of 1,612,474 alleles (0.0011%); highest among the groups gnomAD compares: Admixed American, 0.005%; no homozygotes.

Submissions (4):

Center for Genomic Medicine, Rigshospitalet, Copenhagen University Hospital
Classification: Likely benign. Last evaluated: 2025-03-04. Review status: criteria provided, single submitter. Criteria: ACMG Guidelines, 2015. Collection method: clinical testing. Allele origin: germline.

Women's Health and Genetics/Laboratory Corporation of America, LabCorp
Classification: Likely benign. Last evaluated: 2025-02-12. Review status: criteria provided, single submitter. Criteria: LabCorp Variant Classification Summary - May 2015. Collection method: clinical testing. Allele origin: germline.
Comment: Variant summary: BRCA2 c.*15G>A is located in the untranslated mRNA region downstream of the termination codon. Consensus agreement among computation tools predict no significant impact on normal splicing. However, these predictions have yet to be confirmed by functional studies. The variant allele was found at a frequency of 2.4e-05 in 247904 control chromosomes. The available data on variant occurrences in the general population are insufficient to allow any conclusion about variant significance. To our knowledge, no occurrence of c.*15G>A in individuals affected with Hereditary Breast And Ovarian Cancer Syndrome and no experimental evidence demonstrating its impact on protein function have been reported. ClinVar contains an entry for this variant (Variation ID: 491198). Based on the evidence outlined above, the variant was classified as likely benign.

Color Diagnostics, LLC DBA Color Health
Classification: Likely benign for Hereditary cancer-predisposing syndrome. Last evaluated: 2021-05-16. Review status: criteria provided, single submitter. Criteria: ACMG Guidelines, 2015. Collection method: clinical testing. Allele origin: germline.

Mendelics
Classification: Likely benign for Breast-ovarian cancer, familial, susceptibility to, 2. Last evaluated: 2019-05-28. Review status: criteria provided, single submitter. Criteria: Mendelics Assertion Criteria 2017. Collection method: clinical testing. Allele origin: unknown.

NM_000059.4(BRCA2):c.*15G>A

Gene: BRCA2 (BRCA2 DNA repair associated; plus strand). Cytogenetic location: 13q13.1.
Variant type: single nucleotide variant.
Coding change: c.*15G>A on transcript NM_000059.4 (MANE Select); 15 bases downstream of the stop codon, G replaced by A.
Molecular consequence: 3 prime UTR variant.
Genome position (GRCh38, 1-based): chr13:32,398,785, G>A. VCF-style: chr13-32398785-G-A. GRCh37 (hg19) VCF-style: chr13-32972922-G-A.
Identifiers: ClinVar variation 491198 (VCV000491198.16), dbSNP rs376501142, ClinGen allele CA6941488.
Genomic context (GRCh38, chr13:32,398,785, plus strand): 5'-TGAGAAAAATAAGCAGGACACAATTACAACTAAAAAATATATCTAAGCATTTGCAAAGGC[G>A]ACAATAAATTATTGACGCTTAACCTTTCCAGTTTATAAGACTGGAATATAATTTCAAACC-3'